The following is an entry in ClinVar:

NM_057175.5(NAA15):c.2360C>T (p.Ala787Val)

Gene: NAA15 (N-alpha-acetyltransferase 15, NatA auxiliary subunit; plus strand). Cytogenetic location: 4q31.1.
Variant type: single nucleotide variant.
Coding change: c.2360C>T on transcript NM_057175.5 (MANE Select); coding-DNA position 2360, C replaced by T.
Protein change: p.Ala787Val; replaces alanine 787 with valine.
Molecular consequence: missense variant.
Genome position (GRCh38, 1-based): chr4:139,386,190, C>T. VCF-style: chr4-139386190-C-T. GRCh37 (hg19) VCF-style: chr4-140307344-C-T.
Other names: c.2357C>T, p.Ala786Val (NM_001410842.1); short protein forms A786V, A787V.
Identifiers: ClinVar variation 3358721 (VCV003358721.1).
Genomic context (GRCh38, chr4:139,386,190, plus strand): 5'-TAGCTGCCAAAATGGTATATTACTTAGATCCTTCTAGTCAGAAGCGAGCTATAGAGTTGG[C>T]AACAACACTTGATGAATCTCTCACTAACAGAAACCTCCAGGTAAAGAGTTTTTCATAATC-3'
Protein context (NP_476516.1, residues 777-797): PSSQKRAIEL[Ala787Val]TTLDESLTNR

ClinVar aggregate classification (germline): Uncertain significance (0 of 4 stars; one submission).

Conditions:
NAA15-related disorder.

Submission:

PreventionGenetics, part of Exact Sciences
Classification: Uncertain significance for NAA15-related condition. Last evaluated: 2024-06-20. Review status: no assertion criteria provided. Collection method: clinical testing. Allele origin: germline.
Comment: The NAA15 c.2360C>T variant is predicted to result in the amino acid substitution p.Ala787Val. To our knowledge, this variant has not been reported in the literature or in a large population database, indicating this variant is rare. At this time, the clinical significance of this variant is uncertain due to the absence of conclusive functional and genetic evidence.